The following is an entry in ClinVar:

NM_000408.5(GPD2):c.1224C>G (p.Pro408=)

Gene: GPD2 (glycerol-3-phosphate dehydrogenase 2; plus strand). Cytogenetic location: 2q24.1.
Variant type: single nucleotide variant.
Coding change: c.1224C>G on transcript NM_000408.5 (MANE Select); coding-DNA position 1224, C replaced by G.
Protein change: p.Pro408=; no amino-acid change (proline 408 retained).
Molecular consequence: synonymous variant.
Genome position (GRCh38, 1-based): chr2:156,568,883, C>G. VCF-style: chr2-156568883-C-G. GRCh37 (hg19) VCF-style: chr2-157425395-C-G.
Other names: c.1224C>G, p.Pro408= (NM_001083112.3).
Identifiers: ClinVar variation 3041504 (VCV003041504.2), dbSNP rs762874223, ClinGen allele CA1916913.

ClinVar aggregate classification (germline): Likely benign (0 of 4 stars; one submission).

Conditions:
GPD2-related disorder. Also called: GPD2-related condition.

Allele frequency attached by ClinVar (database versions not stated): ExAC 0.00002; gnomAD exomes 0.00004; TOPMed 0.00005.
gnomAD v4.1: 79 of 1,612,224 alleles (0.0049%); highest among the groups gnomAD compares: Admixed American, 0.0017%; no homozygotes.

Submission:

PreventionGenetics, part of Exact Sciences
Classification: Likely benign for GPD2-related condition. Last evaluated: 2019-05-08. Review status: no assertion criteria provided. Collection method: clinical testing. Allele origin: germline.
Comment: This variant is classified as likely benign based on ACMG/AMP sequence variant interpretation guidelines (Richards et al. 2015 PMID: 25741868, with internal and published modifications).